The following is an entry in ClinVar:

ClinVar aggregate classification (germline): Conflicting classifications of pathogenicity. Review status: criteria provided, conflicting classifications (1 of 4 stars). 9 submissions from 9 submitters: Uncertain significance (3); Benign (2); Likely benign (3). 1 of the submissions does not count toward it. Last evaluated 2026-01-08.

Conditions:
STIL-related disorder. Also called: STIL-related condition.
Microcephaly 7, primary, autosomal recessive. Identifiers: Orphanet 2512, MedGen C2675187, MONDO:0012989, OMIM 612703.

Allele frequency attached by ClinVar (database versions not stated): 1000 Genomes Project 30x 0.00016; 1000 Genomes Project 0.00020; TOPMed 0.00105; gnomAD exomes 0.00141 and 0.00189; ESP Exome Variant Server 0.00161; ExAC 0.00185; gnomAD 0.00207 and 0.00220.
gnomAD v4.1: 2,338 of 1,614,074 alleles (0.14%); highest among the groups gnomAD compares: Non-Finnish European, 0.15%; 5 homozygotes.

Submissions (9):

Labcorp Genetics (formerly Invitae), Labcorp
Classification: Benign. Last evaluated: 2026-01-08. Review status: criteria provided, single submitter. Criteria: Invitae Variant Classification Sherloc (09022015). Collection method: clinical testing. Allele origin: germline.

Athena Diagnostics
Classification: Benign. Last evaluated: 2025-06-04. Review status: criteria provided, single submitter. Criteria: Athena Diagnostics Criteria. Collection method: clinical testing. Allele origin: unknown.
Comment: The frequency of this variant in the general population is higher than would generally be expected for pathogenic variants in this gene.

CeGaT Center for Human Genetics Tuebingen
Classification: Likely benign. Last evaluated: 2025-03-01. Review status: criteria provided, single submitter. Criteria: CeGaT Center For Human Genetics Tuebingen Variant Classification Criteria Version 2. Collection method: clinical testing. Allele origin: germline. Affected: yes. Observed: 7 variant alleles.
Comment: STIL: BP4, BS2

Blueprint Genetics
Classification: Likely benign. Last evaluated: 2024-11-14. Review status: criteria provided, single submitter. Criteria: ACMG Guidelines, 2015. Collection method: clinical testing. Allele origin: germline.

GeneDx
Classification: Likely benign. Last evaluated: 2020-03-11. Review status: criteria provided, single submitter. Criteria: GeneDx Variant Classification Process June 2021. Collection method: clinical testing. Allele origin: germline. Affected: yes.

Illumina Laboratory Services, Illumina
Classification: Uncertain significance for Microcephaly 7, primary, autosomal recessive. Last evaluated: 2017-04-27. Review status: criteria provided, single submitter. Criteria: ICSL Variant Classification Criteria 13 December 2019. Collection method: clinical testing. Allele origin: germline.
Comment: This variant was observed as part of a predisposition screen in an ostensibly healthy population. A literature search was performed for the gene, cDNA change, and amino acid change (where applicable). Publications were found based on this search. However, the evidence from the literature, in combination with allele frequency data from public databases where available, was not sufficient to rule this variant in or out of causing disease. Therefore, this variant is classified as a variant of unknown significance.

Eurofins Ntd Llc (ga)
Classification: Uncertain significance. Last evaluated: 2016-06-07. Review status: criteria provided, single submitter. Criteria: EGL Classification Definitions 2015. Collection method: clinical testing. Allele origin: germline. Observed: 3 variant alleles, 3 heterozygotes.

Genetic Services Laboratory, University of Chicago
Classification: Uncertain significance. Last evaluated: 2015-02-12. Review status: criteria provided, single submitter. Criteria: ACMG Guidelines, 2015. Collection method: clinical testing. Allele origin: germline.

PreventionGenetics, part of Exact Sciences
Classification: Benign for STIL-related condition. Last evaluated: 2019-09-06. Review status: no assertion criteria provided. Collection method: clinical testing. Allele origin: germline. Not counted in ClinVar's aggregate classification.
Comment: This variant is classified as benign based on ACMG/AMP sequence variant interpretation guidelines (Richards et al. 2015 PMID: 25741868, with internal and published modifications).

Literature cited by the submitters: PubMed 23772360 (cited by Athena Diagnostics and Illumina Laboratory Services, Illumina).

NM_001048166.1(STIL):c.3581C>T (p.Pro1194Leu)

Gene: STIL (STIL centriolar assembly protein; minus strand). Cytogenetic location: 1p33.
Variant type: single nucleotide variant.
Coding change: c.3581C>T on transcript NM_001048166.1 (MANE Select); coding-DNA position 3581, C replaced by T.
Protein change: p.Pro1194Leu; replaces proline 1194 with leucine.
Molecular consequence: missense variant.
Genome position (GRCh38, 1-based): chr1:47,251,422, G>A on the plus strand (C>T on the coding strand, the complement: STIL is on the minus strand). VCF-style: chr1-47251422-G-A. GRCh37 (hg19) VCF-style: chr1-47717094-G-A.
Other names: c.3578C>T, p.Pro1193Leu (NM_001282936.1, NM_003035.2); c.3527C>T, p.Pro1176Leu (NM_001282937.1); c.3440C>T, p.Pro1147Leu (NM_001282938.1); c.3386C>T, p.Pro1129Leu (NM_001282939.1); short protein forms P1193L, P1194L, P1176L, P1129L, P1147L.
Identifiers: ClinVar variation 212323 (VCV000212323.61), dbSNP rs144746030, ClinGen allele CA206101.